The following is an entry in ClinVar:

NM_000548.5(TSC2):c.5303T>A (p.Val1768Glu)

Gene: TSC2 (TSC complex subunit 2; plus strand). Cytogenetic location: 16p13.3.
Variant type: single nucleotide variant.
Coding change: c.5303T>A on transcript NM_000548.5 (MANE Select); coding-DNA position 5303, T replaced by A.
Protein change: p.Val1768Glu; replaces valine 1768 with glutamic acid.
Molecular consequence: missense variant.
Genome position (GRCh38, 1-based): chr16:2,088,489, T>A. VCF-style: chr16-2088489-T-A. GRCh37 (hg19) VCF-style: chr16-2138490-T-A.
Other names: c.5102T>A, p.Val1701Glu (NM_001077183.3); c.5234T>A, p.Val1745Glu (NM_001114382.3); c.4994T>A, p.Val1665Glu (NM_001318827.2); c.4958T>A, p.Val1653Glu (NM_001318829.2); c.4571T>A, p.Val1524Glu (NM_001318831.2); c.5135T>A, p.Val1712Glu (NM_001318832.2); c.5105T>A, p.Val1702Glu (NM_001363528.2); c.5171T>A, p.Val1724Glu (NM_001370404.1); and 3 more; short protein forms V1524E, V1653E, V1665E, V1701E, V1702E, V1712E, V1721E, V1724E.
Identifiers: ClinVar variation 811117 (VCV000811117.9), dbSNP rs1171556696, ClinGen allele CA394315363.
Genomic context (GRCh38, chr16:2,088,489, plus strand): 5'-GCCGCCTCTGCCTTCAGATCTGCGAGGAAGCCGCCTACTCCAACCCCAGCCTACCTCTGG[T>A]GCACCCTCCGTCCCATAGCAAAGCCCCTGCACAGACTCCAGCCGAGCCCACACCTGGCTA-3'
Protein context (NP_000539.2, residues 1758-1778): AAYSNPSLPL[Val1768Glu]HPPSHSKAPA

ClinVar aggregate classification (germline): Uncertain significance. Review status: criteria provided, multiple submitters, no conflicts (2 of 4 stars). 2 submissions from 2 submitters: Uncertain significance (2). Last evaluated 2023-12-26.

Conditions:
Hereditary cancer-predisposing syndrome. Also called: Neoplastic Syndromes, Hereditary; Tumor predisposition; Hereditary neoplastic syndrome; Hereditary Cancer Syndrome. Identifiers: Orphanet 140162, MedGen C0027672, MeSH D009386, MONDO:0015356.

Allele frequency attached by ClinVar (database versions not stated): gnomAD exomes below 0.00001.
gnomAD v4.1: 1 of 1,612,788 alleles (0.000062%); highest among the groups gnomAD compares: Non-Finnish European, 0.000085%; no homozygotes.

Submissions (2):

Ambry Genetics
Classification: Uncertain significance for Hereditary cancer-predisposing syndrome. Last evaluated: 2023-12-26. Review status: criteria provided, single submitter. Criteria: Ambry Variant Classification Scheme 2023. Collection method: clinical testing. Allele origin: germline.
Comment: The p.V1768E variant (also known as c.5303T>A), located in coding exon 41 of the TSC2 gene, results from a T to A substitution at nucleotide position 5303. The valine at codon 1768 is replaced by glutamic acid, an amino acid with dissimilar properties. This amino acid position is conserved. In addition, the in silico prediction for this alteration is inconclusive. Since supporting evidence is limited at this time, the clinical significance of this alteration remains unclear.

ARUP Laboratories, Molecular Genetics and Genomics, ARUP Laboratories
Classification: Uncertain significance. Last evaluated: 2018-09-01. Review status: criteria provided, single submitter. Criteria: ARUP Molecular Germline Variant Investigation Process. Collection method: clinical testing. Allele origin: germline.
Comment: The TSC2 c.5303T>A; p.Val1768Glu variant, to our knowledge, is not reported in the medical literature or gene-specific databases. This variant is found in the general population with a low overall allele frequency of 0.0004% (1/245676 alleles) in the Genome Aggregation Database, indicating it is not a common polymorphism. The valine at codon 1768 is weakly conserved, but computational analyses (SIFT: Damaging, PolyPhen-2: Benign) predict conflicting effects of this variant on protein structure/function. Due to limited information, the clinical significance of the p.Val1768Glu variant is uncertain at this time.